The following is an entry in ClinVar:

ClinVar aggregate classification (germline): Likely pathogenic (1 of 4 stars; one submission).

Conditions:
APC-related polyposis.

Submission:

Rady Children's Institute for Genomic Medicine, Rady Children's Hospital San Diego
Classification: Likely pathogenic for APC-related polyposis. Last evaluated: 2025-05-16. Review status: criteria provided, single submitter. Criteria: ACMG Guidelines, 2015. Collection method: clinical testing. Allele origin: germline. Affected: yes.
Comment: This frameshift variant is found in the last exon of APC, therefore the resulting mRNA is predicted to escape nonsense-mediated decay. However, frameshift variants located downstream of this variant have been reported as disease-causing variants in the literature (PMID: 23159591). This variant has not been previously reported or functionally characterized in the literature to our knowledge. The c.7396dup (p.Ser2466PhefsTer5) variant is absent from the latest version of the gnomAD population database and thus is presumed to be rare. Based on the available evidence, c.7396dup (p.Ser2466PhefsTer5) is classified as Likely Pathogenic.

Literature cited by the submitters: PubMed 23159591.

NM_000038.6(APC):c.7396dup (p.Ser2466fs)

Gene: APC (APC regulator of Wnt signaling pathway; plus strand). Cytogenetic location: 5q22.2.
Variant type: Duplication.
Coding change: c.7396dup on transcript NM_000038.6 (MANE Select); coding-DNA position 7396, one base duplicated (T; older notation c.7396dupT).
Protein change: p.Ser2466fs; shifts the reading frame from serine 2466.
Molecular consequence: frameshift variant. On other transcripts: non-coding transcript variant (2).
Genome position (GRCh38, 1-based): chr5:112,842,990, T duplicated; the last of 3 consecutive T bases (chr5:112,842,988-112,842,990); duplicating any one gives the same sequence. VCF-style (leftmost placement, unchanged base first): chr5-112842987-C-CT. GRCh37 (hg19) VCF-style: chr5-112178684-C-CT.
Other names: c.7123dup, p.Ser2375fs (NM_001354902.2); c.7093dup, p.Ser2365fs (NM_001354903.2, NM_001407458.1, NM_001407459.1 and 1 more transcripts); c.7018dup, p.Ser2340fs (NM_001354904.2); c.6916dup, p.Ser2306fs (NM_001354905.2); c.6547dup, p.Ser2183fs (NM_001354906.2, NM_001407470.1); c.7480dup, p.Ser2494fs (NM_001407446.1); c.7450dup, p.Ser2484fs (NM_001407447.1, NM_001407448.1, NM_001407449.1 and 1 more transcripts); c.7396dup, p.Ser2466fs (NM_001407450.1, NM_001127510.3, NM_001354895.2); and 11 more; short protein forms S2082fs, S2183fs, S2306fs, S2337fs, S2340fs, S2365fs, S2375fs, S2383fs.
Identifiers: ClinVar variation 4814218 (VCV004814218.1).
Genomic context (GRCh38, chr5:112,842,987, plus strand): 5'-AAAGAAGCTCCAAGCCCAACCTTAAGAAGAAAATTGGAGGAATCTGCTTCATTTGAATCT[C>CT]TTTCTCCATCATCTAGACCAGCTTCTCCCACTAGGTCCCAGGCACAAACTCCAGTTTTAA-3'